The following is an entry in ClinVar:

NM_058246.4(DNAJB6):c.170C>T (p.Ser57Leu)

Gene: DNAJB6 (DnaJ heat shock protein family (Hsp40) member B6; plus strand). Cytogenetic location: 7q36.3.
Variant type: single nucleotide variant.
Coding change: c.170C>T on transcript NM_058246.4 (MANE Select); coding-DNA position 170, C replaced by T.
Protein change: p.Ser57Leu; replaces serine 57 with leucine.
Molecular consequence: missense variant.
Genome position (GRCh38, 1-based): chr7:157,363,265, C>T. VCF-style: chr7-157363265-C-T. GRCh37 (hg19) VCF-style: chr7-157155959-C-T.
Other names: c.170C>T, p.Ser57Leu (NM_001363676.1, NM_005494.3); short protein forms S57L.
Identifiers: ClinVar variation 1463231 (VCV001463231.6), dbSNP rs1389547780, ClinGen allele CA370165855.
Genomic context (GRCh38, chr7:157,363,265, plus strand): 5'-AGAATAAAGAAGAAGCAGAGAGAAAATTCAAGCAAGTAGCGGAGGCATATGAAGTGCTGT[C>T]GGATGGTGAGTGACAGCGAGCTGCTGAAGGACCCTGAGCGGGCATGCCGGAATGCGGAGT-3'
Protein context (NP_490647.1, residues 47-67): KQVAEAYEVL[Ser57Leu]DAKKRDIYDK

ClinVar aggregate classification (germline): Uncertain significance (1 of 4 stars; one submission).

Conditions:
Autosomal dominant limb-girdle muscular dystrophy type 1D (DNAJB6) (LGMDD1). Also called: MUSCULAR DYSTROPHY, LIMB-GIRDLE, TYPE 1D; Autosomal dominant limb-girdle muscular dystrophy type 1D; Muscular dystrophy, limb-girdle, autosomal dominant 1; MUSCULAR DYSTROPHY, AUTOSOMAL DOMINANT, WITH RIMMED VACUOLES. Identifiers: Orphanet 34516, MedGen C4721885, MONDO:0021018, OMIM 603511.

Allele frequency attached by ClinVar (database versions not stated): gnomAD exomes 0.00001; TOPMed below 0.00001.

Submission:

Labcorp Genetics (formerly Invitae), Labcorp
Classification: Uncertain significance for Autosomal dominant limb-girdle muscular dystrophy type 1D (DNAJB6). Last evaluated: 2021-10-02. Review status: criteria provided, single submitter. Criteria: Invitae Variant Classification Sherloc (09022015). Collection method: clinical testing. Allele origin: germline.
Comment: Experimental studies have shown that this missense change affects DNAJB6 function (PMID: 31955980). Algorithms developed to predict the effect of missense changes on protein structure and function are either unavailable or do not agree on the potential impact of this missense change (SIFT: "Deleterious"; PolyPhen-2: "Probably Damaging"; Align-GVGD: "Class C15"). This missense change has been observed in at least one individual who was not affected with DNAJB6-related conditions (Invitae). In summary, the available evidence is currently insufficient to determine the role of this variant in disease. Therefore, it has been classified as a Variant of Uncertain Significance. This missense change has been observed in individual(s) with limb-girdle muscular dystrophy (PMID: 25214167). This variant is not present in population databases (ExAC no frequency). This sequence change replaces serine with leucine at codon 57 of the DNAJB6 protein (p.Ser57Leu). The serine residue is highly conserved and there is a large physicochemical difference between serine and leucine.

Literature cited by the submitters: PubMed 31955980; PubMed 25214167.